The following is an entry in ClinVar:

ClinVar aggregate classification (germline): Pathogenic. Review status: criteria provided, single submitter (1 of 4 stars). 2 submissions from 2 submitters: Pathogenic (1). 1 of the submissions does not count toward it. Last evaluated 2023-09-06.

Conditions:
Familial cancer of breast. Also called: BREAST CANCER, FAMILIAL; Hereditary breast cancer; hereditary breast carcinoma. Identifiers: Orphanet 227535, MedGen C0346153, MONDO:0016419, OMIM 114480. Disease mechanism: loss of function.

Submissions (2):

Myriad Genetics, Inc.
Classification: Pathogenic for Familial cancer of breast. Last evaluated: 2023-09-06. Review status: criteria provided, single submitter. Criteria: Myriad Autosomal Dominant, Autosomal Recessive and X-Linked Classification Criteria (2023). Collection method: clinical testing. Allele origin: unknown.
Comment: This variant is considered pathogenic. This variant creates a frameshift predicted to result in premature protein truncation.

Leiden Open Variation Database
Classification: Uncertain significance for Familial cancer of breast. Last evaluated: 2019-05-13. Review status: no assertion criteria provided. Collection method: curation. Allele origin: germline. Affected: yes. Not counted in ClinVar's aggregate classification.
Comment: Curators: Marc Tischkowitz, Arleen D. Auerbach. Submitter to LOVD: Marc Tischkowitz.

Literature cited by the submitters: PubMed 25452441 (cited by Leiden Open Variation Database).

NM_024675.4(PALB2):c.123del (p.Glu42fs)

Gene: PALB2 (partner and localizer of BRCA2; minus strand). Cytogenetic location: 16p12.2.
Variant type: Deletion.
Coding change: c.123del on transcript NM_024675.4 (MANE Select); coding-DNA position 123, one base deleted (T; older notation c.123delT).
Protein change: p.Glu42fs; shifts the reading frame from glutamic acid 42.
Molecular consequence: frameshift variant.
Genome position (GRCh38, 1-based): chr16:23,637,938, A deleted on the plus strand (T on the coding strand, the reverse complement: PALB2 is on the minus strand). VCF-style (leftmost placement, unchanged base first): chr16-23637937-CA-C. GRCh37 (hg19) VCF-style: chr16-23649258-CA-C.
Other names: short protein forms E42fs.
Identifiers: ClinVar variation 830091 (VCV000830091.3), dbSNP rs1967104136, ClinGen allele CA916081841.
Genomic context (GRCh38, chr16:23,637,937, plus strand): 5'-CCTGCTGAGACAAACAATCTTGTTCTTCTACTGTTTTCTTAATAGAATGCTTAATCTTTT[CA>C]GCTCTTTGGGCACGCTAGAGGAGACAAAAACAGCCCCAGAAATACGTTTTCTTTAAAGTT-3'